The following is an entry in ClinVar:

NM_001130144.3(LTBP3):c.1531+1G>A

Gene: LTBP3 (latent transforming growth factor beta binding protein 3; minus strand). Cytogenetic location: 11q13.1.
Variant type: single nucleotide variant.
Coding change: c.1531+1G>A on transcript NM_001130144.3 (MANE Select); the canonical splice donor site of the intron after coding-DNA position 1531, G replaced by A.
Molecular consequence: splice donor variant.
Genome position (GRCh38, 1-based): chr11:65,551,971, C>T on the plus strand (G>A on the coding strand, the complement: LTBP3 is on the minus strand). VCF-style: chr11-65551971-C-T. GRCh37 (hg19) VCF-style: chr11-65319442-C-T.
Other names: c.1180+1G>A (NM_001164266.1); c.1531+1G>A (NM_021070.4).
Identifiers: ClinVar variation 1983373 (VCV001983373.4), dbSNP rs875989823, ClinGen allele CA381273034.
Genomic context (GRCh38, chr11:65,551,971, plus strand): 5'-GTCAAGGGGTCAGGCCTAGGGGCTTGGCATGGGTCAGGGATCAGAAGGGGTCAGGCTAGA[C>T]CTCTCTCTTCCTCTGTGTCCTCAGGTGGTGGAGCCTGGCTAGGGCTCTCCGGAAGCTGCT-3'

ClinVar aggregate classification (germline): Likely pathogenic (1 of 4 stars; one submission).

Conditions:
Brachyolmia-amelogenesis imperfecta syndrome. Also called: PLATYSPONDYLY WITH AMELOGENESIS IMPERFECTA; Tooth agenesis, selective, 6; Dental anomalies and short stature. Identifiers: Orphanet 2899, MedGen C1832594, MONDO:0011018, OMIM 601216. Disease mechanism: loss of function.

Submission:

Labcorp Genetics (formerly Invitae), Labcorp
Classification: Likely pathogenic for Brachyolmia-amelogenesis imperfecta syndrome. Last evaluated: 2024-10-22. Review status: criteria provided, single submitter. Criteria: Invitae Variant Classification Sherloc (09022015). Collection method: clinical testing. Allele origin: germline.
Comment: This sequence change affects a donor splice site in intron 8 of the LTBP3 gene. It is expected to disrupt RNA splicing. Variants that disrupt the donor or acceptor splice site typically lead to a loss of protein function (PMID: 16199547), and loss-of-function variants in LTBP3 are known to be pathogenic (PMID: 11790802, 19344874, 25669657). This variant is not present in population databases (gnomAD no frequency). Disruption of this splice site has been observed in individual(s) with autosomal recessive LTBP3-related conditions (PMID: 25669657). ClinVar contains an entry for this variant (Variation ID: 1983373). Algorithms developed to predict the effect of sequence changes on RNA splicing suggest that this variant may disrupt the consensus splice site. In summary, the currently available evidence indicates that the variant is pathogenic, but additional data are needed to prove that conclusively. Therefore, this variant has been classified as Likely Pathogenic.

Literature cited by the submitters: PubMed 16199547; PubMed 11790802; PubMed 19344874; PubMed 25669657.